The following is an entry in ClinVar:

NM_001242.5(CD27):c.299C>T (p.Ala100Val)

Genes: CD27 (CD27 molecule; plus strand), CD27-AS1 (CD27 antisense RNA 1; minus strand). Cytogenetic location: 12p13.31.
Variant type: single nucleotide variant.
Coding change: c.299C>T on transcript NM_001242.5 (MANE Select); coding-DNA position 299, C replaced by T.
Protein change: p.Ala100Val; replaces alanine 100 with valine.
Molecular consequence: missense variant.
Genome position (GRCh38, 1-based): chr12:6,450,203, C>T. VCF-style: chr12-6450203-C-T. GRCh37 (hg19) VCF-style: chr12-6559369-C-T.
Other names: short protein forms A100V.
Identifiers: ClinVar variation 1389297 (VCV001389297.5), dbSNP rs1309467835, ClinGen allele CA383549418.

ClinVar aggregate classification (germline): Uncertain significance (1 of 4 stars; one submission).

Conditions:
Lymphoproliferative syndrome 2 (LPFS2). Also called: Combined immunodeficiency due to CD27 deficiency; CD27 DEFICIENCY. Identifiers: Orphanet 238505, MedGen C3554540, MONDO:0014054, OMIM 615122.

Submission:

Labcorp Genetics (formerly Invitae), Labcorp
Classification: Uncertain significance for Lymphoproliferative syndrome 2. Last evaluated: 2022-03-18. Review status: criteria provided, single submitter. Criteria: Invitae Variant Classification Sherloc (09022015). Collection method: clinical testing. Allele origin: germline.
Comment: In summary, the available evidence is currently insufficient to determine the role of this variant in disease. Therefore, it has been classified as a Variant of Uncertain Significance. Algorithms developed to predict the effect of missense changes on protein structure and function are either unavailable or do not agree on the potential impact of this missense change (SIFT: "Deleterious"; PolyPhen-2: "Benign"; Align-GVGD: "Class C0"). This variant has not been reported in the literature in individuals affected with CD27-related conditions. This variant is not present in population databases (gnomAD no frequency). This sequence change replaces alanine, which is neutral and non-polar, with valine, which is neutral and non-polar, at codon 100 of the CD27 protein (p.Ala100Val).